The following is an entry in ClinVar:

ClinVar aggregate classification (germline): Conflicting classifications of pathogenicity. Review status: criteria provided, conflicting classifications (1 of 4 stars). 2 submissions from 2 submitters: Uncertain significance (1); Likely benign (1). Last evaluated 2024-02-20.

Allele frequency attached by ClinVar (database versions not stated): gnomAD exomes 0.00001; TOPMed 0.00001; ExAC 0.00002; gnomAD 0.00003.
gnomAD v4.1: 20 of 1,606,866 alleles (0.0012%); highest among the groups gnomAD compares: Admixed American, 0.0033%; no homozygotes.

Submissions (2):

Labcorp Genetics (formerly Invitae), Labcorp
Classification: Likely benign. Last evaluated: 2024-02-20. Review status: criteria provided, single submitter. Criteria: Invitae Variant Classification Sherloc (09022015). Collection method: clinical testing. Allele origin: germline.

GeneDx
Classification: Uncertain significance. Last evaluated: 2019-03-29. Review status: criteria provided, single submitter. Criteria: GeneDx Variant Classification Process June 2021. Collection method: clinical testing. Allele origin: germline. Affected: yes.
Comment: Not observed at a significant frequency in large population cohorts (Lek et al., 2016); In silico analysis, which includes protein predictors and evolutionary conservation, supports that this variant does not alter protein structure/function; Has not been previously published as pathogenic or benign to our knowledge

NM_032119.4(ADGRV1):c.664G>A (p.Asp222Asn)

Gene: ADGRV1 (adhesion G protein-coupled receptor V1; plus strand). Cytogenetic location: 5q14.3.
Variant type: single nucleotide variant.
Coding change: c.664G>A on transcript NM_032119.4 (MANE Select); coding-DNA position 664, G replaced by A.
Protein change: p.Asp222Asn; replaces aspartic acid 222 with asparagine.
Molecular consequence: missense variant. On other transcripts: non-coding transcript variant (1).
Genome position (GRCh38, 1-based): chr5:90,625,235, G>A. VCF-style: chr5-90625235-G-A. GRCh37 (hg19) VCF-style: chr5-89921052-G-A.
Other names: short protein forms D222N.
Identifiers: ClinVar variation 1203057 (VCV001203057.9), dbSNP rs763872010, ClinGen allele CA3338519.